The following is an entry in ClinVar:

ClinVar aggregate classification (germline): Uncertain significance (1 of 4 stars; one submission).

Allele frequency attached by ClinVar (database versions not stated): gnomAD 0.00001; gnomAD exomes 0.00001; TOPMed 0.00001.
gnomAD v4.1: 22 of 1,599,414 alleles (0.0014%); highest among the groups gnomAD compares: Non-Finnish European, 0.0017%; no homozygotes.

Submission:

Labcorp Genetics (formerly Invitae), Labcorp
Classification: Uncertain significance. Last evaluated: 2024-10-12. Review status: criteria provided, single submitter. Criteria: Invitae Variant Classification Sherloc (09022015). Collection method: clinical testing. Allele origin: germline.
Comment: This sequence change replaces threonine, which is neutral and polar, with lysine, which is basic and polar, at codon 1191 of the LTBP4 protein (p.Thr1191Lys). This variant is not present in population databases (gnomAD no frequency). This variant has not been reported in the literature in individuals affected with LTBP4-related conditions. ClinVar contains an entry for this variant (Variation ID: 1442194). Experimental studies and prediction algorithms are not available or were not evaluated, and the functional significance of this variant is currently unknown. In summary, the available evidence is currently insufficient to determine the role of this variant in disease. Therefore, it has been classified as a Variant of Uncertain Significance.

NM_001042545.2(LTBP4):c.3482C>A (p.Thr1161Lys)

Gene: LTBP4 (latent transforming growth factor beta binding protein 4; plus strand). Cytogenetic location: 19q13.2.
Variant type: single nucleotide variant.
Coding change: c.3482C>A on transcript NM_001042545.2 (MANE Select); coding-DNA position 3482, C replaced by A.
Protein change: p.Thr1161Lys; replaces threonine 1161 with lysine.
Molecular consequence: missense variant.
Genome position (GRCh38, 1-based): chr19:40,622,665, C>A. VCF-style: chr19-40622665-C-A. GRCh37 (hg19) VCF-style: chr19-41128570-C-A.
Other names: c.3683C>A, p.Thr1228Lys (NM_001042544.1); c.3572C>A, p.Thr1191Lys (NM_003573.2); short protein forms T1228K, T1191K, T1161K.
Identifiers: ClinVar variation 1442194 (VCV001442194.4), dbSNP rs1227258409, ClinGen allele CA405907139.